The following is an entry in ClinVar:

NM_016247.4(IMPG2):c.2668T>A (p.Leu890Met)

Gene: IMPG2 (interphotoreceptor matrix proteoglycan 2; minus strand). Cytogenetic location: 3q12.3.
Variant type: single nucleotide variant.
Coding change: c.2668T>A on transcript NM_016247.4 (MANE Select); coding-DNA position 2668, T replaced by A.
Protein change: p.Leu890Met; replaces leucine 890 with methionine.
Molecular consequence: missense variant.
Genome position (GRCh38, 1-based): chr3:101,243,663, A>T on the plus strand (T>A on the coding strand, the complement: IMPG2 is on the minus strand). VCF-style: chr3-101243663-A-T. GRCh37 (hg19) VCF-style: chr3-100962507-A-T.
Other names: short protein forms L890M.
Identifiers: ClinVar variation 1975368 (VCV001975368.5), dbSNP rs2508942321, ClinGen allele CA353856140.

ClinVar aggregate classification (germline): Uncertain significance (1 of 4 stars; one submission).

Submission:

Labcorp Genetics (formerly Invitae), Labcorp
Classification: Uncertain significance. Last evaluated: 2022-10-05. Review status: criteria provided, single submitter. Criteria: Invitae Variant Classification Sherloc (09022015). Collection method: clinical testing. Allele origin: germline.
Comment: Advanced modeling of protein sequence and biophysical properties (such as structural, functional, and spatial information, amino acid conservation, physicochemical variation, residue mobility, and thermodynamic stability) performed at Invitae indicates that this missense variant is not expected to disrupt IMPG2 protein function. In summary, the available evidence is currently insufficient to determine the role of this variant in disease. Therefore, it has been classified as a Variant of Uncertain Significance. This variant has not been reported in the literature in individuals affected with IMPG2-related conditions. This variant is not present in population databases (gnomAD no frequency). This sequence change replaces leucine, which is neutral and non-polar, with methionine, which is neutral and non-polar, at codon 890 of the IMPG2 protein (p.Leu890Met).